The following is an entry in ClinVar:

NM_004974.4(KCNA2):c.1276C>T (p.Gln426Ter)

Gene: KCNA2 (potassium voltage-gated channel subfamily A member 2; minus strand). Cytogenetic location: 1p13.3.
Variant type: single nucleotide variant.
Coding change: c.1276C>T on transcript NM_004974.4 (MANE Select); coding-DNA position 1276, C replaced by T.
Protein change: p.Gln426Ter; replaces glutamine 426 with a stop codon.
Molecular consequence: nonsense. On other transcripts: intron variant (1).
Genome position (GRCh38, 1-based): chr1:110,603,507, G>A on the plus strand (C>T on the coding strand, the complement: KCNA2 is on the minus strand). VCF-style: chr1-110603507-G-A. GRCh37 (hg19) VCF-style: chr1-111146129-G-A.
Other names: c.894+382C>T (NM_001204269.2); c.1276C>T (NM_004974.3); short protein forms Q426*.
Identifiers: ClinVar variation 2816567 (VCV002816567.4), dbSNP rs2524615863, ClinGen allele CA341601023.

ClinVar aggregate classification (germline): Uncertain significance. Review status: criteria provided, multiple submitters, no conflicts (2 of 4 stars). 2 submissions from 2 submitters: Uncertain significance (2). Last evaluated 2025-03-12.

Conditions:
Developmental and epileptic encephalopathy, 32 (DEE32). Also called: Epileptic encephalopathy, early infantile, 32. Identifiers: Orphanet 442835, MedGen C4225350, MONDO:0014607, OMIM 616366.

Submissions (2):

GeneDx
Classification: Uncertain significance. Last evaluated: 2025-03-12. Review status: criteria provided, single submitter. Criteria: GeneDx Variant Classification Process June 2021. Collection method: clinical testing. Allele origin: germline. Affected: yes.
Comment: Not observed at significant frequency in large population cohorts (gnomAD); Nonsense variant predicted to result in protein truncation as the last 74 amino acid(s) are lost; Has not been previously published as pathogenic or benign to our knowledge

Labcorp Genetics (formerly Invitae), Labcorp
Classification: Uncertain significance for Developmental and epileptic encephalopathy, 32. Last evaluated: 2022-11-24. Review status: criteria provided, single submitter. Criteria: Invitae Variant Classification Sherloc (09022015). Collection method: clinical testing. Allele origin: germline.
Comment: This sequence change creates a premature translational stop signal (p.Gln426*) in the KCNA2 gene. While this is not anticipated to result in nonsense mediated decay, it is expected to disrupt the last 74 amino acid(s) of the KCNA2 protein. This variant is not present in population databases (gnomAD no frequency). This variant has not been reported in the literature in individuals affected with KCNA2-related conditions. Experimental studies and prediction algorithms are not available or were not evaluated, and the functional significance of this variant is currently unknown. In summary, the available evidence is currently insufficient to determine the role of this variant in disease. Therefore, it has been classified as a Variant of Uncertain Significance.